The following is an entry in ClinVar:

NM_032578.4(MYPN):c.1134C>T (p.Ile378=)

Gene: MYPN (myopalladin; plus strand). Cytogenetic location: 10q21.3.
Variant type: single nucleotide variant.
Coding change: c.1134C>T on transcript NM_032578.4 (MANE Select); coding-DNA position 1134, C replaced by T.
Protein change: p.Ile378=; no amino-acid change (isoleucine 378 retained).
Molecular consequence: synonymous variant. On other transcripts: non-coding transcript variant (2).
Genome position (GRCh38, 1-based): chr10:68,148,356, C>T. VCF-style: chr10-68148356-C-T. GRCh37 (hg19) VCF-style: chr10-69908113-C-T.
Other names: p.I378I:ATC>ATT; p.Ile378=; c.1134C>T, p.Ile378= (NM_001256267.2); c.252C>T, p.Ile84= (NM_001256268.2).
Identifiers: ClinVar variation 138415 (VCV000138415.64), dbSNP rs145701607, ClinGen allele CA203128.

ClinVar aggregate classification (germline): Benign/Likely benign. Review status: criteria provided, multiple submitters, no conflicts (2 of 4 stars). 14 submissions from 14 submitters: Benign (8); Likely benign (3). 3 of the submissions do not count toward it. Last evaluated 2026-08-01.

Conditions:
Cardiovascular phenotype. Identifiers: MedGen CN230736.
Dilated cardiomyopathy 1KK (CMD1KK). Identifiers: Orphanet 154, Orphanet 75249, MedGen C3714995, MONDO:0014100, OMIM 615248.

Allele frequency attached by ClinVar (database versions not stated): 1000 Genomes Project 0.00339; 1000 Genomes Project 30x 0.00359; gnomAD 0.00504 and 0.00526; TOPMed 0.00548; ExAC 0.00597; gnomAD exomes 0.00613 and 0.00707; ESP Exome Variant Server 0.00630.
gnomAD v4.1: 11,140 of 1,611,158 alleles (0.69%); highest among the groups gnomAD compares: Middle Eastern, 1.4%; 42 homozygotes.

Submissions (14):

CeGaT Center for Human Genetics Tuebingen
Classification: Likely benign. Last evaluated: 2026-08-01. Review status: criteria provided, single submitter. Criteria: CeGaT Center For Human Genetics Tuebingen Variant Classification Criteria Version 2. Collection method: clinical testing. Allele origin: germline. Affected: yes. Observed: 29 variant alleles.
Comment: MYPN: BP4, BS2

Labcorp Genetics (formerly Invitae), Labcorp
Classification: Benign for Dilated cardiomyopathy 1KK. Last evaluated: 2026-02-01. Review status: criteria provided, single submitter. Criteria: Invitae Variant Classification Sherloc (09022015). Collection method: clinical testing. Allele origin: germline.

ARUP Laboratories, Molecular Genetics and Genomics, ARUP Laboratories
Classification: Benign. Last evaluated: 2023-08-23. Review status: criteria provided, single submitter. Criteria: ARUP Molecular Germline Variant Investigation Process 2024. Collection method: clinical testing. Allele origin: germline.

Mayo Clinic Laboratories, Mayo Clinic
Classification: Benign. Last evaluated: 2023-05-24. Review status: criteria provided, single submitter. Criteria: ACMG Guidelines, 2015. Collection method: clinical testing. Allele origin: germline. Observed: 23 variant alleles.
Comment: BS1, BS2, BP4, BP7

Clinical Genetics DNA and cytogenetics Diagnostics Lab, Erasmus MC, Erasmus Medical Center
Classification: Likely benign for Dilated cardiomyopathy 1KK. Last evaluated: 2017-10-10. Review status: criteria provided, single submitter. Criteria: ACGS Guidelines, 2013. Collection method: clinical testing. Allele origin: germline. Affected: yes. Study: VKGL Data-share Consensus.

Ambry Genetics
Classification: Benign for Cardiovascular phenotype. Last evaluated: 2015-07-31. Review status: criteria provided, single submitter. Criteria: Ambry Variant Classification Scheme 2023. Collection method: clinical testing. Allele origin: germline.

Eurofins Ntd Llc (ga)
Classification: Benign. Last evaluated: 2015-03-24. Review status: criteria provided, single submitter. Criteria: EGL Classification Definitions 2015. Collection method: clinical testing. Allele origin: germline. Observed: 1 variant allele, 1 heterozygote.

Laboratory for Molecular Medicine, Mass General Brigham Personalized Medicine
Classification: Benign. Last evaluated: 2014-11-24. Review status: criteria provided, single submitter. Criteria: LMM Criteria. Collection method: clinical testing. Allele origin: germline. Observed: 7 variant alleles.
Comment: Ile378Ile in exon 6 of MYPN: This variant is not expected to have clinical signi ficance because it does not alter an amino acid residue and is not located withi n the splice consensus sequence. It has been identified in 0.9% (75/8600) of Eur opean American chromosomes from a broad population by the NHLBI Exome Sequencing Project (dbSNP rs145701607).

Genome Diagnostics Laboratory, University Medical Center Utrecht
Classification: Benign for Dilated cardiomyopathy 1KK. Last evaluated: 2014-10-10. Review status: criteria provided, single submitter. Criteria: ACGS Guidelines, 2013. Collection method: clinical testing. Allele origin: germline. Affected: yes. Study: VKGL Data-share Consensus.

GeneDx
Classification: Benign. Last evaluated: 2014-03-10. Review status: criteria provided, single submitter. Criteria: GeneDx Variant Classification (06012015). Collection method: clinical testing. Allele origin: germline. Affected: yes.
Comment: This variant is considered likely benign or benign based on one or more of the following criteria: it is a conservative change, it occurs at a poorly conserved position in the protein, it is predicted to be benign by multiple in silico algorithms, and/or has population frequency not consistent with disease.

Breakthrough Genomics
Classification: Likely benign. Review status: criteria provided, single submitter. Criteria: ACMG Guidelines, 2015. Collection method: not provided. Allele origin: germline. Inheritance: Autosomal recessive inheritance. Affected: yes.

Clinical Genetics, Academic Medical Center
Classification: Benign. Review status: no assertion criteria provided. Collection method: clinical testing. Allele origin: germline. Affected: yes. Study: VKGL Data-share Consensus. Not counted in ClinVar's aggregate classification.

Diagnostic Laboratory, Department of Genetics, University Medical Center Groningen
Classification: Likely benign for Dilated cardiomyopathy 1KK. Review status: no assertion criteria provided. Collection method: clinical testing. Allele origin: germline. Affected: yes. Study: VKGL Data-share Consensus. Not counted in ClinVar's aggregate classification.

Joint Genome Diagnostic Labs from Nijmegen and Maastricht, Radboudumc and MUMC+
Classification: Benign. Review status: no assertion criteria provided. Collection method: clinical testing. Allele origin: germline. Affected: yes. Study: VKGL Data-share Consensus. Not counted in ClinVar's aggregate classification.